The following is an entry in ClinVar:

ClinVar aggregate classification (germline): Uncertain significance (1 of 4 stars; one submission).

Conditions:
Cardiovascular phenotype. Identifiers: MedGen CN230736.

Submission:

Ambry Genetics
Classification: Uncertain significance for Cardiovascular phenotype. Last evaluated: 2026-05-17. Review status: criteria provided, single submitter. Criteria: Ambry Variant Classification Scheme 2023. Collection method: clinical testing. Allele origin: germline.
Comment: The p.G3315E variant (also known as c.9944G>A), located in coding exon 2 of the ZNF469 gene, results from a G to A substitution at nucleotide position 9944. The glycine at codon 3315 is replaced by glutamic acid, an amino acid with similar properties. This amino acid position is conserved. In addition, this alteration is predicted to be tolerated by in silico analysis. Based on the available evidence, the clinical significance of this variant remains unclear.

NM_001367624.2(ZNF469):c.10028G>A (p.Gly3343Glu)

Genes: ZNF469 (zinc finger protein 469; plus strand), LOC130059719 (ATAC-STARR-seq lymphoblastoid silent region 7848; plus strand). Cytogenetic location: 16q24.2.
Variant type: single nucleotide variant.
Coding change: c.10028G>A on transcript NM_001367624.2 (MANE Select); coding-DNA position 10028, G replaced by A.
Protein change: p.Gly3343Glu; replaces glycine 3343 with glutamic acid.
Molecular consequence: missense variant.
Genome position (GRCh38, 1-based): chr16:88,437,498, G>A. VCF-style: chr16-88437498-G-A. GRCh37 (hg19) VCF-style: chr16-88503906-G-A.
Other names: NM_001127464.1:c.9944G>A; short protein forms G3343E.
Identifiers: ClinVar variation 4867014 (VCV004867014.1).